The following is an entry in ClinVar:

ClinVar aggregate classification (germline): Conflicting classifications of pathogenicity. Review status: criteria provided, conflicting classifications (1 of 4 stars). 5 submissions from 5 submitters: Uncertain significance (1); Benign (1); Likely benign (3). Last evaluated 2026-01-20.

Conditions:
LRTOMT-related disorder. Also called: LRTOMT-related condition.
Autosomal recessive nonsyndromic hearing loss 63. Identifiers: Orphanet 90636, MedGen C1969621, MONDO:0012670, OMIM 611451.

Allele frequency attached by ClinVar (database versions not stated): 1000 Genomes Project below 0.00001; gnomAD 0.00006 and 0.00008; TOPMed 0.00017; ExAC 0.00020; 1000 Genomes Project 30x 0.00031; gnomAD exomes 0.00032.
gnomAD v4.1: 156 of 1,550,342 alleles (0.01%); highest among the groups gnomAD compares: East Asian, 0.35%; no homozygotes.

Submissions (5):

Labcorp Genetics (formerly Invitae), Labcorp
Classification: Benign. Last evaluated: 2026-01-20. Review status: criteria provided, single submitter. Criteria: Invitae Variant Classification Sherloc (09022015). Collection method: clinical testing. Allele origin: germline.

PreventionGenetics, part of Exact Sciences
Classification: Likely benign for LRTOMT-related condition. Last evaluated: 2025-08-27. Review status: criteria provided, single submitter. Criteria: ACMG Guidelines, 2015. Collection method: clinical testing. Allele origin: germline.
Comment: This variant is classified as likely benign based on ACMG/AMP sequence variant interpretation guidelines (Richards et al. 2015 PMID: 25741868, with internal and published modifications).

GeneDx
Classification: Likely benign. Last evaluated: 2021-02-23. Review status: criteria provided, single submitter. Criteria: GeneDx Variant Classification Process June 2021. Collection method: clinical testing. Allele origin: germline. Affected: yes.

Illumina Laboratory Services, Illumina
Classification: Uncertain significance for Autosomal recessive nonsyndromic hearing loss 63. Last evaluated: 2018-01-12. Review status: criteria provided, single submitter. Criteria: ICSL Variant Classification Criteria 13 December 2019. Collection method: clinical testing. Allele origin: germline.

Laboratory for Molecular Medicine, Mass General Brigham Personalized Medicine
Classification: Likely benign. Last evaluated: 2012-12-06. Review status: criteria provided, single submitter. Criteria: LMM Criteria. Collection method: clinical testing. Allele origin: germline. Observed: 2 variant alleles.
Comment: Ser74Ser in exon 5 of LRTOMT: This variant is not expected to have clinical sign ificance because it does not alter an amino acid residue and it is not located w ithin the splice consensus sequence.

NM_001145308.5(LRTOMT):c.222A>G (p.Ser74=)

Genes: LRTOMT (leucine rich transmembrane and O-methyltransferase domain containing; plus strand), TOMT (transmembrane O-methyltransferase; plus strand). Cytogenetic location: 11q13.4.
Variant type: single nucleotide variant.
Coding change: c.222A>G on transcript NM_001145308.5; coding-DNA position 222, A replaced by G.
Protein change: p.Ser74=; no amino-acid change (serine 74 retained).
Molecular consequence: synonymous variant.
Genome position (GRCh38, 1-based): chr11:72,106,074, A>G. VCF-style: chr11-72106074-A-G. GRCh37 (hg19) VCF-style: chr11-71817120-A-G.
Other names: c.123A>G, p.Ser41= (NM_001393500.2); c.222A>G, p.Ser74= (NM_001145309.4); c.102A>G, p.Ser34= (NM_001145310.4); c.222A>G (NM_001145309.3).
Identifiers: ClinVar variation 44038 (VCV000044038.15), dbSNP rs397516626, ClinGen allele CA133442.